The following is an entry in ClinVar:

NM_001365308.1(BMPER):c.1724T>C (p.Val575Ala)

Gene: BMPER (BMP binding endothelial regulator; plus strand). Cytogenetic location: 7p14.3.
Variant type: single nucleotide variant.
Coding change: c.1724T>C on transcript NM_001365308.1 (MANE Select); coding-DNA position 1724, T replaced by C.
Protein change: p.Val575Ala; replaces valine 575 with alanine.
Molecular consequence: missense variant.
Genome position (GRCh38, 1-based): chr7:34,086,071, T>C. VCF-style: chr7-34086071-T-C. GRCh37 (hg19) VCF-style: chr7-34125683-T-C.
Other names: c.1724T>C, p.Val575Ala (NM_133468.5); short protein forms V575A.
Identifiers: ClinVar variation 360114 (VCV000360114.7), dbSNP rs760584340, ClinGen allele CA4215473.

ClinVar aggregate classification (germline): Uncertain significance. Review status: criteria provided, multiple submitters, no conflicts (2 of 4 stars). 3 submissions from 3 submitters: Uncertain significance (3). Last evaluated 2024-09-20.

Conditions:
Diaphanospondylodysostosis. Also called: VERTEBRAL OSSIFICATION, DEFECT IN, WITH NEPHROGENIC RESTS. Identifiers: Orphanet 66637, MedGen C1842691, MONDO:0011946, OMIM 608022.

Allele frequency attached by ClinVar (database versions not stated): TOPMed 0.00002; gnomAD 0.00004; gnomAD exomes 0.00004 and 0.00005; ExAC 0.00005.
gnomAD v4.1: 61 of 1,613,870 alleles (0.0038%); highest among the groups gnomAD compares: Middle Eastern, 0.033%; no homozygotes.

Submissions (3):

Blueprint Genetics
Classification: Uncertain significance. Last evaluated: 2024-09-20. Review status: criteria provided, single submitter. Criteria: ACMG Guidelines, 2015. Collection method: clinical testing. Allele origin: germline.

Labcorp Genetics (formerly Invitae), Labcorp
Classification: Uncertain significance. Last evaluated: 2022-06-12. Review status: criteria provided, single submitter. Criteria: Invitae Variant Classification Sherloc (09022015). Collection method: clinical testing. Allele origin: germline.
Comment: This sequence change replaces valine, which is neutral and non-polar, with alanine, which is neutral and non-polar, at codon 575 of the BMPER protein (p.Val575Ala). This variant is present in population databases (rs760584340, gnomAD 0.009%). This variant has not been reported in the literature in individuals affected with BMPER-related conditions. ClinVar contains an entry for this variant (Variation ID: 360114). Algorithms developed to predict the effect of missense changes on protein structure and function are either unavailable or do not agree on the potential impact of this missense change (SIFT: "Deleterious"; PolyPhen-2: "Benign"; Align-GVGD: "Class C55"). In summary, the available evidence is currently insufficient to determine the role of this variant in disease. Therefore, it has been classified as a Variant of Uncertain Significance.

Illumina Laboratory Services, Illumina
Classification: Uncertain significance for Diaphanospondylodysostosis. Last evaluated: 2018-01-12. Review status: criteria provided, single submitter. Criteria: ICSL Variant Classification Criteria 13 December 2019. Collection method: clinical testing. Allele origin: germline.